The following is an entry in ClinVar:

ClinVar aggregate classification (germline): Uncertain significance (1 of 4 stars; one submission).

Conditions:
Malignant hyperthermia, susceptibility to, 1 (MHS1). Also called: RYR1-Related Malignant Hyperthermia Susceptibility; Malignant hyperthermia suceptibility 1; Anesthesia related hyperthermia; Malignant hyperpyrexia; Fulminating hyperpyrexia; Pharmacogenic myopathy. Identifiers: Orphanet 423, MedGen C2930980, MONDO:0007783, OMIM 145600.

Submission:

Color Diagnostics, LLC DBA Color Health
Classification: Uncertain significance for Malignant hyperthermia, susceptibility to, 1. Last evaluated: 2025-05-30. Review status: criteria provided, single submitter. Criteria: ACMG Guidelines, 2015. Collection method: clinical testing. Allele origin: germline.
Comment: This missense variant replaces serine with phenylalanine at codon 3468 of the RYR1 protein. Computational prediction suggests that this variant may have deleterious impact on protein structure and function. To our knowledge, functional studies have not been reported for this variant. This variant has not been reported in individuals affected with RYR1-related disorders in the literature. This variant has not been identified in the general population by the Genome Aggregation Database (gnomAD). The available evidence is insufficient to determine the role of this variant in disease conclusively. Therefore, this variant is classified as a Variant of Uncertain Significance.

NM_000540.3(RYR1):c.10403C>T (p.Ser3468Phe)

Gene: RYR1 (ryanodine receptor 1; plus strand). Cytogenetic location: 19q13.2.
Variant type: single nucleotide variant.
Coding change: c.10403C>T on transcript NM_000540.3 (MANE Select); coding-DNA position 10403, C replaced by T.
Protein change: p.Ser3468Phe; replaces serine 3468 with phenylalanine.
Molecular consequence: missense variant.
Genome position (GRCh38, 1-based): chr19:38,523,272, C>T. VCF-style: chr19-38523272-C-T. GRCh37 (hg19) VCF-style: chr19-39013912-C-T.
Other names: c.10403C>T, p.Ser3468Phe (NM_001042723.2); short protein forms S3468F.
Identifiers: ClinVar variation 4758676 (VCV004758676.1).